The following is an entry in ClinVar:

NM_001903.5(CTNNA1):c.219G>T (p.Leu73Phe)

Gene: CTNNA1 (catenin alpha 1; plus strand). Cytogenetic location: 5q31.2.
Variant type: single nucleotide variant.
Coding change: c.219G>T on transcript NM_001903.5 (MANE Select); coding-DNA position 219, G replaced by T.
Protein change: p.Leu73Phe; replaces leucine 73 with phenylalanine.
Molecular consequence: missense variant. On other transcripts: intron variant (2).
Genome position (GRCh38, 1-based): chr5:138,783,290, G>T. VCF-style: chr5-138783290-G-T. GRCh37 (hg19) VCF-style: chr5-138118979-G-T.
Other names: c.219G>T, p.Leu73Phe (NM_001290307.3, NM_001323982.2, NM_001323983.1 and 3 more transcripts); c.-6+18G>T (NM_001290310.3); c.-9+1261G>T (NM_001290309.3); short protein forms L73F.
Identifiers: ClinVar variation 2861225 (VCV002861225.3), dbSNP rs2532178849, ClinGen allele CA361477504.

ClinVar aggregate classification (germline): Uncertain significance (1 of 4 stars; one submission).

Submission:

Labcorp Genetics (formerly Invitae), Labcorp
Classification: Uncertain significance. Last evaluated: 2023-05-01. Review status: criteria provided, single submitter. Criteria: Invitae Variant Classification Sherloc (09022015). Collection method: clinical testing. Allele origin: germline.
Comment: This variant has not been reported in the literature in individuals affected with CTNNA1-related conditions. This sequence change replaces leucine, which is neutral and non-polar, with phenylalanine, which is neutral and non-polar, at codon 73 of the CTNNA1 protein (p.Leu73Phe). This variant is not present in population databases (gnomAD no frequency). Advanced modeling of protein sequence and biophysical properties (such as structural, functional, and spatial information, amino acid conservation, physicochemical variation, residue mobility, and thermodynamic stability) performed at Invitae indicates that this missense variant is not expected to disrupt CTNNA1 protein function. In summary, the available evidence is currently insufficient to determine the role of this variant in disease. Therefore, it has been classified as a Variant of Uncertain Significance.